The following is an entry in ClinVar:

ClinVar aggregate classification (germline): Uncertain significance. Review status: criteria provided, multiple submitters, no conflicts (2 of 4 stars). 2 submissions from 2 submitters: Uncertain significance (2). Last evaluated 2025-05-01.

Conditions:
Hereditary cancer-predisposing syndrome. Also called: Hereditary Cancer Syndrome; Hereditary neoplastic syndrome; Tumor predisposition; Neoplastic Syndromes, Hereditary. Identifiers: Orphanet 140162, MedGen C0027672, MeSH D009386, MONDO:0015356.

gnomAD v4.1: 1 of 1,613,466 alleles (0.000062%); highest among the groups gnomAD compares: South Asian, 0.0011%; no homozygotes.

Submissions (2):

Ambry Genetics
Classification: Uncertain significance for Hereditary cancer-predisposing syndrome. Last evaluated: 2025-05-01. Review status: criteria provided, single submitter. Criteria: Ambry Variant Classification Scheme 2023. Collection method: clinical testing. Allele origin: germline.
Comment: The p.C1612F variant (also known as c.4835G>T), located in coding exon 37 of the POLE gene, results from a G to T substitution at nucleotide position 4835. The cysteine at codon 1612 is replaced by phenylalanine, an amino acid with highly dissimilar properties. This amino acid position is conserved. In addition, this alteration is predicted to be tolerated by in silico analysis. Based on the available evidence, the clinical significance of this variant remains unclear.

Labcorp Genetics (formerly Invitae), Labcorp
Classification: Uncertain significance. Last evaluated: 2020-01-13. Review status: criteria provided, single submitter. Criteria: Invitae Variant Classification Sherloc (09022015). Collection method: clinical testing. Allele origin: germline.
Comment: This sequence change replaces cysteine with phenylalanine at codon 1612 of the POLE protein (p.Cys1612Phe). The cysteine residue is weakly conserved and there is a large physicochemical difference between cysteine and phenylalanine. In summary, the available evidence is currently insufficient to determine the role of this variant in disease. Therefore, it has been classified as a Variant of Uncertain Significance. Algorithms developed to predict the effect of missense changes on protein structure and function (SIFT, PolyPhen-2, Align-GVGD) all suggest that this variant is likely to be tolerated, but these predictions have not been confirmed by published functional studies and their clinical significance is uncertain. This variant has not been reported in the literature in individuals with POLE-related conditions. This variant is not present in population databases (ExAC no frequency).

NM_006231.4(POLE):c.4835G>T (p.Cys1612Phe)

Gene: POLE (DNA polymerase epsilon, catalytic subunit; minus strand). Cytogenetic location: 12q24.33.
Variant type: single nucleotide variant.
Coding change: c.4835G>T on transcript NM_006231.4 (MANE Select); coding-DNA position 4835, G replaced by T.
Protein change: p.Cys1612Phe; replaces cysteine 1612 with phenylalanine.
Molecular consequence: missense variant.
Genome position (GRCh38, 1-based): chr12:132,642,623, C>A on the plus strand (G>T on the coding strand, the complement: POLE is on the minus strand). VCF-style: chr12-132642623-C-A. GRCh37 (hg19) VCF-style: chr12-133219209-C-A.
Other names: c.4835G>T (NM_006231.2); short protein forms C1612F.
Identifiers: ClinVar variation 1399520 (VCV001399520.9), dbSNP rs1411134935, ClinGen allele CA387378236.